The following is an entry in ClinVar:

NM_001330574.2(ZNF711):c.2278A>G (p.Thr760Ala)

Gene: ZNF711 (zinc finger protein 711; plus strand). Cytogenetic location: Xq21.1.
Variant type: single nucleotide variant.
Coding change: c.2278A>G on transcript NM_001330574.2 (MANE Select); coding-DNA position 2278, A replaced by G.
Protein change: p.Thr760Ala; replaces threonine 760 with alanine.
Molecular consequence: missense variant.
Genome position (GRCh38, 1-based): chrX:85,271,682, A>G. VCF-style: chrX-85271682-A-G. GRCh37 (hg19) VCF-style: chrX-84526688-A-G.
Other names: c.2278A>G, p.Thr760Ala (NM_001375431.1, NM_001375432.1, NM_001375433.1); c.2140A>G, p.Thr714Ala (NM_001375434.1, NM_001375435.1, NM_001375436.1 and 2 more transcripts); short protein forms T714A, T760A.
Identifiers: ClinVar variation 4685341 (VCV004685341.1).

ClinVar aggregate classification (germline): Uncertain significance (1 of 4 stars; one submission).

gnomAD v4.1: 1 of 1,210,688 alleles (0.000083%); highest among the groups gnomAD compares: Admixed American, 0.0022%; no homozygotes.

Submission:

GeneDx
Classification: Uncertain significance. Last evaluated: 2025-07-10. Review status: criteria provided, single submitter. Criteria: GeneDx Variant Classification Process June 2021. Collection method: clinical testing. Allele origin: germline. Affected: yes.
Comment: Not observed at significant frequency in large population cohorts (gnomAD); In silico analysis suggests that this missense variant does not alter protein structure/function; Has not been previously published as pathogenic or benign to our knowledge